The following is an entry in ClinVar:

NM_001283009.2(RTEL1):c.2480C>T (p.Ala827Val)

Genes: RTEL1 (regulator of telomere elongation helicase 1; plus strand), RTEL1-TNFRSF6B (RTEL1-TNFRSF6B readthrough (NMD candidate); plus strand). Cytogenetic location: 20q13.33.
Variant type: single nucleotide variant.
Coding change: c.2480C>T on transcript NM_001283009.2 (MANE Select); coding-DNA position 2480, C replaced by T.
Protein change: p.Ala827Val; replaces alanine 827 with valine.
Molecular consequence: missense variant. On other transcripts: non-coding transcript variant (1).
Genome position (GRCh38, 1-based): chr20:63,690,871, C>T. VCF-style: chr20-63690871-C-T. GRCh37 (hg19) VCF-style: chr20-62322224-C-T.
Other names: c.1811C>T, p.Ala604Val (NM_001283010.1); c.2480C>T, p.Ala827Val (NM_016434.4); c.2552C>T, p.Ala851Val (NM_032957.5); short protein forms A851V, A604V, A827V.
Identifiers: ClinVar variation 2080140 (VCV002080140.8), dbSNP rs149590418, ClinGen allele CA9965372.

ClinVar aggregate classification (germline): Uncertain significance. Review status: criteria provided, multiple submitters, no conflicts (2 of 4 stars). 2 submissions from 2 submitters: Uncertain significance (2). Last evaluated 2025-03-01.

Conditions:
Pulmonary fibrosis and/or bone marrow failure, Telomere-related, 3. Also called: PULMONARY FIBROSIS AND/OR BONE MARROW FAILURE SYNDROME, TELOMERE-RELATED, 3. Identifiers: Orphanet 2032, MedGen C4225346, MONDO:0014613, OMIM 616373.
Dyskeratosis congenita, autosomal recessive 5 (DKCB5). Identifiers: MedGen C3554656, MONDO:0014076, OMIM 615190.

Allele frequency attached by ClinVar (database versions not stated): TOPMed 0.00001; ExAC 0.00002; gnomAD exomes 0.00002; ESP Exome Variant Server 0.00015.
gnomAD v4.1: 33 of 1,599,534 alleles (0.0021%); highest among the groups gnomAD compares: Non-Finnish European, 0.0027%; no homozygotes.

Submissions (2):

CeGaT Center for Human Genetics Tuebingen
Classification: Uncertain significance. Last evaluated: 2025-03-01. Review status: criteria provided, single submitter. Criteria: CeGaT Center For Human Genetics Tuebingen Variant Classification Criteria Version 2. Collection method: clinical testing. Allele origin: germline. Affected: yes. Observed: 1 variant allele.
Comment: RTEL1: PM2

Labcorp Genetics (formerly Invitae), Labcorp
Classification: Uncertain significance for Dyskeratosis congenita, autosomal recessive 5; Pulmonary fibrosis and/or bone marrow failure, Telomere-related, 3. Last evaluated: 2022-10-23. Review status: criteria provided, single submitter. Criteria: Invitae Variant Classification Sherloc (09022015). Collection method: clinical testing. Allele origin: germline.
Comment: This sequence change replaces alanine, which is neutral and non-polar, with valine, which is neutral and non-polar, at codon 827 of the RTEL1 protein (p.Ala827Val). The frequency data for this variant in the population databases is considered unreliable, as metrics indicate poor data quality at this position in the gnomAD database. This variant has not been reported in the literature in individuals affected with RTEL1-related conditions. Algorithms developed to predict the effect of missense changes on protein structure and function output the following: SIFT: "Tolerated"; PolyPhen-2: "Benign"; Align-GVGD: "Class C0". The valine amino acid residue is found in multiple mammalian species, which suggests that this missense change does not adversely affect protein function. In summary, the available evidence is currently insufficient to determine the role of this variant in disease. Therefore, it has been classified as a Variant of Uncertain Significance.